The following is an entry in ClinVar:

ClinVar aggregate classification (germline): Likely benign (1 of 4 stars; one submission).

gnomAD v4.1: 258 of 1,597,834 alleles (0.016%); highest among the groups gnomAD compares: East Asian, 0.089%; 8 homozygotes.

Submission:

CeGaT Center for Human Genetics Tuebingen
Classification: Likely benign. Last evaluated: 2026-06-01. Review status: criteria provided, single submitter. Criteria: CeGaT Center For Human Genetics Tuebingen Variant Classification Criteria Version 2. Collection method: clinical testing. Allele origin: germline. Affected: yes. Observed: 1 variant allele.
Comment: MDC1: BP4, BP7

NM_014641.3(MDC1):c.1953C>T (p.Asp651=)

Genes: MDC1 (mediator of DNA damage checkpoint 1; minus strand), MDC1-AS1 (MDC1 antisense RNA 1; plus strand). Cytogenetic location: 6p21.33.
Variant type: single nucleotide variant.
Coding change: c.1953C>T on transcript NM_014641.3 (MANE Select); coding-DNA position 1953, C replaced by T.
Protein change: p.Asp651=; no amino-acid change (aspartic acid 651 retained).
Molecular consequence: synonymous variant.
Genome position (GRCh38, 1-based): chr6:30,711,989, G>A on the plus strand (C>T on the coding strand, the complement: MDC1 is on the minus strand). VCF-style: chr6-30711989-G-A. GRCh37 (hg19) VCF-style: chr6-30679766-G-A.
Identifiers: ClinVar variation 4873356 (VCV004873356.2).